The following is an entry in ClinVar:

ClinVar aggregate classification (germline): Likely benign. Review status: criteria provided, single submitter (1 of 4 stars). 2 submissions from 2 submitters: Likely benign (1). 1 of the submissions does not count toward it. Last evaluated 2025-12-25.

Conditions:
Charcot-Marie-Tooth disease type 2. Also called: Charcot-Marie-Tooth type 2. Identifiers: Orphanet 64746, MedGen C0270914, MONDO:0018993.
AARS1-related disorder. Also called: AARS1-related condition.

Allele frequency attached by ClinVar (database versions not stated): gnomAD 0.00001; ExAC 0.00012; gnomAD exomes 0.00005 and 0.00009; TOPMed below 0.00001.
gnomAD v4.1: 83 of 1,613,116 alleles (0.0051%); highest among the groups gnomAD compares: South Asian, 0.073%; no homozygotes.

Submissions (2):

Labcorp Genetics (formerly Invitae), Labcorp
Classification: Likely benign for Charcot-Marie-Tooth disease type 2. Last evaluated: 2025-12-25. Review status: criteria provided, single submitter. Criteria: Invitae Variant Classification Sherloc (09022015). Collection method: clinical testing. Allele origin: germline.

PreventionGenetics, part of Exact Sciences
Classification: Likely benign for AARS1-related condition. Last evaluated: 2019-07-18. Review status: no assertion criteria provided. Collection method: clinical testing. Allele origin: germline. Not counted in ClinVar's aggregate classification.
Comment: This variant is classified as likely benign based on ACMG/AMP sequence variant interpretation guidelines (Richards et al. 2015 PMID: 25741868, with internal and published modifications).

NM_001605.3(AARS1):c.2182C>T (p.Leu728=)

Gene: AARS1 (alanyl-tRNA synthetase 1; minus strand). Cytogenetic location: 16q22.1.
Variant type: single nucleotide variant.
Coding change: c.2182C>T on transcript NM_001605.3 (MANE Select); coding-DNA position 2182, C replaced by T.
Protein change: p.Leu728=; no amino-acid change (leucine 728 retained).
Molecular consequence: synonymous variant.
Genome position (GRCh38, 1-based): chr16:70,255,832, G>A on the plus strand (C>T on the coding strand, the complement: AARS1 is on the minus strand). VCF-style: chr16-70255832-G-A. GRCh37 (hg19) VCF-style: chr16-70289735-G-A.
Other names: c.2182C>T (NM_001605.2).
Identifiers: ClinVar variation 1083450 (VCV001083450.11), dbSNP rs761565869, ClinGen allele CA8140523.